The following is an entry in ClinVar:

ClinVar aggregate classification (germline): Uncertain significance (1 of 4 stars; one submission).

Conditions:
Treacher Collins syndrome 4. Identifiers: MedGen C5394546, MONDO:0030067, OMIM 618939.

Submission:

3billion
Classification: Uncertain significance for Treacher Collins syndrome 4. Last evaluated: 2025-05-22. Review status: criteria provided, single submitter. Criteria: ACMG Guidelines, 2015. Collection method: clinical testing. Allele origin: germline. Affected: yes.
Comment: The variant is not observed in the gnomAD v4.1.0 dataset. Predicted Consequence/Location: Frameshift: predicted to result in a loss or disruption of normal protein function through protein truncation. The predicted truncated protein may be shortened by more than 10%. Therefore, this variant is classified as VUS according to the recommendation of ACMG/AMP guideline.

NM_019014.6(POLR1B):c.2842_2848del (p.Thr948fs)

Gene: POLR1B (RNA polymerase I subunit B; plus strand). Cytogenetic location: 2q14.1.
Variant type: Deletion.
Coding change: c.2842_2848del on transcript NM_019014.6 (MANE Select); coding-DNA positions 2842 to 2848, 7 bases deleted (ACACCCT; older notation c.2842_2848delACACCCT).
Protein change: p.Thr948fs; shifts the reading frame from threonine 948.
Molecular consequence: frameshift variant.
Genome position (GRCh38, 1-based): chr2:112,575,163-112,575,169, ACACCCT deleted; deleting any 7 consecutive bases within chr2:112,575,161-112,575,169 gives the same sequence; the c. name uses the placement nearest the transcript's 3' end. VCF-style (leftmost placement, unchanged base first): chr2-112575160-GCTACACC-G. GRCh37 (hg19) VCF-style: chr2-113332737-GCTACACC-G.
Other names: c.2674_2680del, p.Thr892fs (NM_001137604.3); c.2956_2962del, p.Thr986fs (NM_001282772.2); c.2293_2299del, p.Thr765fs (NM_001282774.2); c.2209_2215del, p.Thr737fs (NM_001282776.2, NM_001371971.1); c.2425_2431del, p.Thr809fs (NM_001282777.2, NM_001282779.2, NM_001371970.1); c.2980_2986del, p.Thr994fs (NM_001371969.1); short protein forms T737fs, T765fs, T809fs, T892fs, T948fs, T986fs, T994fs.
Identifiers: ClinVar variation 4854531 (VCV004854531.1).